The following is an entry in ClinVar:

ClinVar aggregate classification (germline): Uncertain significance (1 of 4 stars; one submission).

Submission:

Ambry Genetics
Classification: Uncertain significance. Last evaluated: 2024-04-23. Review status: criteria provided, single submitter. Criteria: Ambry Variant Classification Scheme 2023. Collection method: clinical testing. Allele origin: germline.
Comment: The p.W300R variant (also known as c.898T>C), located in coding exon 10 of the PRKDC gene, results from a T to C substitution at nucleotide position 898. The tryptophan at codon 300 is replaced by arginine, an amino acid with dissimilar properties. This amino acid position is conserved. In addition, the in silico prediction for this alteration is inconclusive. Based on the available evidence, the clinical significance of this variant remains unclear.

NM_006904.7(PRKDC):c.898T>C (p.Trp300Arg)

Gene: PRKDC (protein kinase, DNA-activated, catalytic subunit; minus strand). Cytogenetic location: 8q11.21.
Variant type: single nucleotide variant.
Coding change: c.898T>C on transcript NM_006904.7 (MANE Select); coding-DNA position 898, T replaced by C.
Protein change: p.Trp300Arg; replaces tryptophan 300 with arginine.
Molecular consequence: missense variant.
Genome position (GRCh38, 1-based): chr8:47,943,277, A>G on the plus strand (T>C on the coding strand, the complement: PRKDC is on the minus strand). VCF-style: chr8-47943277-A-G. GRCh37 (hg19) VCF-style: chr8-48855837-A-G.
Other names: c.898T>C, p.Trp300Arg (NM_001081640.2); short protein forms W300R.
Identifiers: ClinVar variation 3310129 (VCV003310129.1).